The following is an entry in ClinVar:

ClinVar aggregate classification (germline): Conflicting classifications of pathogenicity. Review status: criteria provided, conflicting classifications (1 of 4 stars). 4 submissions from 4 submitters: Uncertain significance (2); Likely benign (2). Last evaluated 2025-11-02.

Conditions:
Episodic ataxia type 1 (EA1). Also called: ATAXIA, EPISODIC, WITH MYOKYMIA; MYOKYMIA WITH PERIODIC ATAXIA; PAROXYSMAL ATAXIA WITH NEUROMYOTONIA, HEREDITARY; Episodic ataxia/myokymia syndrome. Identifiers: Orphanet 37612, Orphanet 972, MedGen C1719788, MONDO:0008047, OMIM 160120.
Inborn genetic diseases. Identifiers: MedGen C0950123, MeSH D030342.

Allele frequency attached by ClinVar (database versions not stated): ExAC 0.00002; gnomAD exomes 0.00002 and 0.00003; TOPMed 0.00002.

Submissions (4):

Mayo Clinic Laboratories, Mayo Clinic
Classification: Likely benign. Last evaluated: 2025-11-02. Review status: criteria provided, single submitter. Criteria: ACMG Guidelines, 2015. Collection method: clinical testing. Allele origin: germline. Observed: 1 variant allele.
Comment: BS2, BP4

Labcorp Genetics (formerly Invitae), Labcorp
Classification: Uncertain significance for Episodic ataxia type 1. Last evaluated: 2025-04-11. Review status: criteria provided, single submitter. Criteria: Invitae Variant Classification Sherloc (09022015). Collection method: clinical testing. Allele origin: germline.
Comment: This sequence change replaces isoleucine, which is neutral and non-polar, with valine, which is neutral and non-polar, at codon 211 of the KCNA1 protein (p.Ile211Val). This variant is present in population databases (rs775789299, gnomAD 0.006%). This variant has not been reported in the literature in individuals affected with KCNA1-related conditions. ClinVar contains an entry for this variant (Variation ID: 1396673). Invitae Evidence Modeling of protein sequence and biophysical properties (such as structural, functional, and spatial information, amino acid conservation, physicochemical variation, residue mobility, and thermodynamic stability) indicates that this missense variant is not expected to disrupt KCNA1 protein function with a negative predictive value of 80%. In summary, the available evidence is currently insufficient to determine the role of this variant in disease. Therefore, it has been classified as a Variant of Uncertain Significance.

Ambry Genetics
Classification: Likely benign for Inborn genetic diseases. Last evaluated: 2024-04-12. Review status: criteria provided, single submitter. Criteria: Ambry Variant Classification Scheme 2023. Collection method: clinical testing. Allele origin: germline.

Fulgent Genetics
Classification: Uncertain significance for Episodic ataxia type 1. Last evaluated: 2022-03-05. Review status: criteria provided, single submitter. Criteria: ACMG Guidelines, 2015. Collection method: clinical testing. Allele origin: unknown.

NM_000217.3(KCNA1):c.631A>G (p.Ile211Val)

Gene: KCNA1 (potassium voltage-gated channel subfamily A member 1; plus strand). Cytogenetic location: 12p13.32.
Variant type: single nucleotide variant.
Coding change: c.631A>G on transcript NM_000217.3 (MANE Select); coding-DNA position 631, A replaced by G.
Protein change: p.Ile211Val; replaces isoleucine 211 with valine.
Molecular consequence: missense variant.
Genome position (GRCh38, 1-based): chr12:4,912,009, A>G. VCF-style: chr12-4912009-A-G. GRCh37 (hg19) VCF-style: chr12-5021175-A-G.
Other names: p.Ile211Val; c.631A>G (NM_000217.2); short protein forms I211V.
Identifiers: ClinVar variation 1396673 (VCV001396673.8), dbSNP rs775789299, ClinGen allele CA6399407.